The following is an entry in ClinVar:

NM_000132.4(F8):c.6956C>T (p.Pro2319Leu)

Gene: F8 (coagulation factor VIII; minus strand). Cytogenetic location: Xq28.
Variant type: single nucleotide variant.
Coding change: c.6956C>T on transcript NM_000132.4 (MANE Select); coding-DNA position 6956, C replaced by T.
Protein change: p.Pro2319Leu; replaces proline 2319 with leucine.
Molecular consequence: missense variant.
Genome position (GRCh38, 1-based): chrX:154,837,697, G>A on the plus strand (C>T on the coding strand, the complement: F8 is on the minus strand). VCF-style: chrX-154837697-G-A. GRCh37 (hg19) VCF-style: chrX-154065972-G-A.
Other names: F8, PRO2300LEU; P2300L; c.551C>T, p.Pro184Leu (NM_019863.3); short protein forms P2319L, P184L.
Identifiers: ClinVar variation 10332 (VCV000010332.9), dbSNP rs137852472, ClinGen allele CA255224.

ClinVar aggregate classification (germline): Pathogenic. Review status: criteria provided, multiple submitters, no conflicts (2 of 4 stars). 6 submissions from 6 submitters: Pathogenic (3). 3 of the submissions do not count toward it. Last evaluated 2025-11-11.

Conditions:
Hereditary factor IX deficiency disease (HEMB). Also called: Christmas Disease; F9 DEFICIENCY; FACTOR IX DEFICIENCY; Hemophilia B; PLASMA THROMBOPLASTIN COMPONENT DEFICIENCY. Identifiers: Orphanet 98879, MedGen C0008533, MeSH D002836, MONDO:0010604, OMIM 306900.
Hereditary factor VIII deficiency disease (HEMA). Also called: HEMOPHILIA, CLASSIC; Hemophilia A; Hemophilia A, congenital; HEM A; Factor 8 deficiency, congenital; AUTOSOMAL HEMOPHILIA A. Identifiers: Orphanet 98878, MedGen C0019069, MONDO:0010602, OMIM 306700.

Allele frequency attached by ClinVar (database versions not stated): gnomAD exomes below 0.00001.
gnomAD v4.1: 1 of 1,211,201 alleles (0.000083%); highest among the groups gnomAD compares: Non-Finnish European, 0.00011%; no homozygotes.

Submissions (6):

Women's Health and Genetics/Laboratory Corporation of America, LabCorp
Classification: Pathogenic for Hereditary factor VIII deficiency disease. Last evaluated: 2025-11-11. Review status: criteria provided, single submitter. Criteria: LabCorp Variant Classification Summary - May 2015. Collection method: clinical testing. Allele origin: germline.
Comment: Variant summary: F8 c.6956C>T (p.Pro2319Leu) results in a non-conservative amino acid change in the encoded protein sequence. Algorithms developed to predict the effect of missense changes on protein structure and function all suggest that this variant is likely to be disruptive. The variant was absent in 183039 control chromosomes. c.6956C>T has been observed in multiple individuals affected with Factor VIII Deficiency (Hemophilia A) (e.g. Represse_2007, Eckhardt_2013). These data indicate that the variant is very likely to be associated with disease. At least one publication reports experimental evidence evaluating an impact on protein function and found that the variant had a destabilizing effect on the folded protein structure and resulted in decreased binding to platelet surfaces and von Willebrand factor (Spiegel_2004). The following publications have been ascertained in the context of this evaluation (PMID: 23926300, 17445092, 15471879). ClinVar contains an entry for this variant (Variation ID: 10332). Based on the evidence outlined above, the variant was classified as pathogenic.

ARUP Laboratories, Molecular Genetics and Genomics, ARUP Laboratories
Classification: Pathogenic. Last evaluated: 2023-03-31. Review status: criteria provided, single submitter. Criteria: ARUP Molecular Germline Variant Investigation Process 2024. Collection method: clinical testing. Allele origin: germline.
Comment: The F8 c.6956C>T; p.Pro2319Leu variant (rs137852472), also known as Pro2300Leu in traditional nomenclature, is reported in the literature in numerous individuals affected with mild-to-moderate hemophilia A (Higuchi 1991, see link to F8 database). This variant is absent from general population databases (Exome Variant Server, Genome Aggregation Database), indicating it is not a common polymorphism. The proline at codon 2319 is highly conserved, and computational analyses predict that this variant is deleterious (REVEL: 0.874). Additionally, other variants at this codon (c.6955C>T, p.Pro2319Ser; c.6956C>G, p.Pro2319Arg) have been reported in individuals with hemophilia A and are considered disease-causing (see link to F8 database). Based on available information, the p.Pro2319Leu variant is considered to be pathogenic. References: Link to F8 database: Higuchi M et al. Molecular characterization of mild-to-moderate hemophilia A: detection of the mutation in 25 of 29 patients by denaturing gradient gel electrophoresis. Proc Natl Acad Sci U S A. 1991 Oct 1;88(19):8307-11. PMID: 1924291.

NIHR Bioresource Rare Diseases, University of Cambridge
Classification: Pathogenic for Hereditary factor IX deficiency disease. Last evaluated: 2019-02-01. Review status: criteria provided, single submitter. Criteria: ACMG Guidelines, 2015. Collection method: research. Allele origin: unknown. Affected: yes. Observed: 2 hemizygotes. Study: ThromboGenomics.

OMIM
Classification: Pathogenic for HEMOPHILIA A. Last evaluated: 1991-10-01. Review status: no assertion criteria provided. Collection method: literature only. Allele origin: germline. Not counted in ClinVar's aggregate classification.

Genome Diagnostics Laboratory, University Medical Center Utrecht
Classification: Pathogenic. Review status: no assertion criteria provided. Collection method: clinical testing. Allele origin: germline. Affected: yes. Study: VKGL Data-share Consensus. Not counted in ClinVar's aggregate classification.

Joint Genome Diagnostic Labs from Nijmegen and Maastricht, Radboudumc and MUMC+
Classification: Pathogenic. Review status: no assertion criteria provided. Collection method: clinical testing. Allele origin: germline. Affected: yes. Study: VKGL Data-share Consensus. Not counted in ClinVar's aggregate classification.

Literature cited by the submitters: PubMed 23926300 (cited by Women's Health and Genetics/Laboratory Corporation of America, LabCorp); PubMed 15471879 (cited by Women's Health and Genetics/Laboratory Corporation of America, LabCorp); PubMed 17445092 (cited by Women's Health and Genetics/Laboratory Corporation of America, LabCorp); PubMed 31064749 (cited by NIHR Bioresource Rare Diseases, University of Cambridge); PubMed 1924291 (cited by OMIM).